The following is an entry in ClinVar:

NM_173699.4(MAGEB18):c.339G>A (p.Ser113=)

Gene: MAGEB18 (MAGE family member B18; plus strand). Cytogenetic location: Xp21.3.
Variant type: single nucleotide variant.
Coding change: c.339G>A on transcript NM_173699.4 (MANE Select); coding-DNA position 339, G replaced by A.
Protein change: p.Ser113=; no amino-acid change (serine 113 retained).
Molecular consequence: synonymous variant.
Genome position (GRCh38, 1-based): chrX:26,139,324, G>A. VCF-style: chrX-26139324-G-A. GRCh37 (hg19) VCF-style: chrX-26157441-G-A.
Identifiers: ClinVar variation 2660202 (VCV002660202.24), dbSNP rs1305966996, ClinGen allele CA515947539.

ClinVar aggregate classification (germline): Likely benign (1 of 4 stars; one submission).

Allele frequency attached by ClinVar (database versions not stated): TOPMed 0.00001.

Submission:

CeGaT Center for Human Genetics Tuebingen
Classification: Likely benign. Last evaluated: 2022-07-01. Review status: criteria provided, single submitter. Criteria: CeGaT Center For Human Genetics Tuebingen Variant Classification Criteria Version 2. Collection method: clinical testing. Allele origin: germline. Affected: yes. Observed: 1 variant allele.
Comment: MAGEB18: BP4, BP7